The following is an entry in ClinVar:

NM_000275.3(OCA2):c.573+3G>C

Gene: OCA2 (OCA2 melanosomal transmembrane protein; minus strand). Cytogenetic location: 15q13.1.
Variant type: single nucleotide variant.
Coding change: c.573+3G>C on transcript NM_000275.3 (MANE Select); 3 bases into the intron after coding-DNA position 573, G replaced by C.
Molecular consequence: intron variant.
Genome position (GRCh38, 1-based): chr15:28,024,842, C>G on the plus strand (G>C on the coding strand, the complement: OCA2 is on the minus strand). VCF-style: chr15-28024842-C-G. GRCh37 (hg19) VCF-style: chr15-28269988-C-G.
Other names: c.573+3G>C (NM_001300984.2).
Identifiers: ClinVar variation 3361315 (VCV003361315.1).

ClinVar aggregate classification (germline): Uncertain significance (1 of 4 stars; one submission).

Submission:

GeneDx
Classification: Uncertain significance. Last evaluated: 2023-07-25. Review status: criteria provided, single submitter. Criteria: GeneDx Variant Classification Process June 2021. Collection method: clinical testing. Allele origin: germline. Affected: yes.
Comment: Has not been previously published as pathogenic or benign to our knowledge; Not observed at significant frequency in large population cohorts (gnomAD); In silico analysis supports a deleterious effect on splicing